The following is an entry in ClinVar:

ClinVar aggregate classification (germline): Uncertain significance (1 of 4 stars; one submission).

Conditions:
Hereditary sensory and autonomic neuropathy type 6. Also called: HSAN VI; Neuropathy, hereditary sensory and autonomic, type VI. Identifiers: Orphanet 314381, MedGen C3539003, MONDO:0013839, OMIM 614653.
Epidermolysis bullosa simplex 3, localized or generalized intermediate, with BP230 deficiency (EBS3). Also called: Epidermolysis bullosa simplex due to BP230 deficiency; Epidermolysis bullosa simplex, autosomal recessive 2. Identifiers: Orphanet 412181, MedGen C3809470, MONDO:0014180, OMIM 615425.

Allele frequency attached by ClinVar (database versions not stated): gnomAD exomes below 0.00001; gnomAD 0.00001; TOPMed 0.00001.
gnomAD v4.1: 4 of 1,614,062 alleles (0.00025%); highest among the groups gnomAD compares: Admixed American, 0.0033%; no homozygotes.

Submission:

Labcorp Genetics (formerly Invitae), Labcorp
Classification: Uncertain significance for Epidermolysis bullosa simplex 3, localized or generalized intermediate, with BP230 deficiency; Hereditary sensory and autonomic neuropathy type 6. Last evaluated: 2022-07-12. Review status: criteria provided, single submitter. Criteria: Invitae Variant Classification Sherloc (09022015). Collection method: clinical testing. Allele origin: germline.
Comment: This variant has not been reported in the literature in individuals affected with DST-related conditions. This variant is not present in population databases (gnomAD no frequency). This sequence change replaces tyrosine, which is neutral and polar, with cysteine, which is neutral and slightly polar, at codon 2451 of the DST protein (p.Tyr2451Cys). ClinVar contains an entry for this variant (Variation ID: 1364796). In summary, the available evidence is currently insufficient to determine the role of this variant in disease. Therefore, it has been classified as a Variant of Uncertain Significance. Algorithms developed to predict the effect of missense changes on protein structure and function are either unavailable or do not agree on the potential impact of this missense change (SIFT: "Tolerated"; PolyPhen-2: "Possibly Damaging"; Align-GVGD: "Class C25").

NM_001723.7(DST):c.7352A>G (p.Tyr2451Cys)

Gene: DST (dystonin; minus strand). Cytogenetic location: 6p12.1.
Variant type: single nucleotide variant.
Coding change: c.7352A>G on transcript NM_001723.7 (MANE Plus Clinical); coding-DNA position 7352, A replaced by G.
Protein change: p.Tyr2451Cys; replaces tyrosine 2451 with cysteine.
Molecular consequence: missense variant. On other transcripts: intron variant (10).
Genome position (GRCh38, 1-based): chr6:56,616,115, T>C on the plus strand (A>G on the coding strand, the complement: DST is on the minus strand). VCF-style: chr6-56616115-T-C. GRCh37 (hg19) VCF-style: chr6-56480913-T-C.
Other names: c.4831-1631A>G (NM_001144769.5); c.4930-1631A>G (NM_001374722.1, NM_001374736.1); c.4957-1631A>G (NM_001374734.1); c.4417-1631A>G (NM_001144770.2); c.4297-1631A>G (NM_001374730.1, NM_001386100.1, NM_183380.4 and 1 more transcripts); c.3319-1631A>G (NM_015548.5); short protein forms Y2451C.
Identifiers: ClinVar variation 1364796 (VCV001364796.6), dbSNP rs993834701, ClinGen allele CA139205329.